The following is an entry in ClinVar:

NM_144666.3(DNHD1):c.7623T>C (p.Pro2541=)

Gene: DNHD1 (dynein heavy chain domain 1; plus strand). Cytogenetic location: 11p15.4.
Variant type: single nucleotide variant.
Coding change: c.7623T>C on transcript NM_144666.3 (MANE Select); coding-DNA position 7623, T replaced by C.
Protein change: p.Pro2541=; no amino-acid change (proline 2541 retained).
Molecular consequence: synonymous variant.
Genome position (GRCh38, 1-based): chr11:6,556,918, T>C. VCF-style: chr11-6556918-T-C. GRCh37 (hg19) VCF-style: chr11-6578148-T-C.
Identifiers: ClinVar variation 779134 (VCV000779134.6), dbSNP rs114809425, ClinGen allele CA5856244.
Genomic context (GRCh38, chr11:6,556,918, plus strand): 5'-CTTCACAGTCCTGGCCCTGGAAAGCATGACCCAGGCCACCCTGCTGGAAAGACATGTGCC[T>C]ATCATTCAGGCTTGGCTTGAGCGTTTCCCTTCTGTGGAACGGGAGCGTGCTCTGGCACGA-3'
Protein context (NP_653267.2, residues 2531-2551): TQATLLERHV[Pro2541=]IIQAWLERFP

ClinVar aggregate classification (germline): Benign. Review status: criteria provided, single submitter (1 of 4 stars). 2 submissions from 2 submitters: Benign (1). 1 of the submissions does not count toward it. Last evaluated 2019-12-31.

Conditions:
DNHD1-related disorder. Also called: DNHD1-related condition.

Allele frequency attached by ClinVar (database versions not stated): ExAC 0.00167; 1000 Genomes Project 0.00379; 1000 Genomes Project 30x 0.00390; gnomAD 0.00467 and 0.00504; TOPMed 0.00505; ESP Exome Variant Server 0.00657.
gnomAD v4.1: 1,295 of 1,551,736 alleles (0.083%); highest among the groups gnomAD compares: African/African-American, 1.6%; 9 homozygotes.

Submissions (2):

Labcorp Genetics (formerly Invitae), Labcorp
Classification: Benign. Last evaluated: 2019-12-31. Review status: criteria provided, single submitter. Criteria: Invitae Variant Classification Sherloc (09022015). Collection method: clinical testing. Allele origin: germline.

PreventionGenetics, part of Exact Sciences
Classification: Benign for DNHD1-related condition. Last evaluated: 2019-03-25. Review status: no assertion criteria provided. Collection method: clinical testing. Allele origin: germline. Not counted in ClinVar's aggregate classification.
Comment: This variant is classified as benign based on ACMG/AMP sequence variant interpretation guidelines (Richards et al. 2015 PMID: 25741868, with internal and published modifications).